The following is an entry in ClinVar:

NM_000059.4(BRCA2):c.6770C>G (p.Pro2257Arg)

Gene: BRCA2 (BRCA2 DNA repair associated; plus strand). Cytogenetic location: 13q13.1.
Variant type: single nucleotide variant.
Coding change: c.6770C>G on transcript NM_000059.4 (MANE Select); coding-DNA position 6770, C replaced by G.
Protein change: p.Pro2257Arg; replaces proline 2257 with arginine.
Molecular consequence: missense variant.
Genome position (GRCh38, 1-based): chr13:32,341,125, C>G. VCF-style: chr13-32341125-C-G. GRCh37 (hg19) VCF-style: chr13-32915262-C-G.
Other names: c.6770C>G (LRG_293t1); short protein forms P2257R.
Identifiers: ClinVar variation 52182 (VCV000052182.28), dbSNP rs80358903, ClinGen allele CA024398.

ClinVar aggregate classification (germline): Conflicting classifications of pathogenicity. Review status: criteria provided, conflicting classifications (1 of 4 stars). 10 submissions from 10 submitters: Uncertain significance (6); Likely benign (2). 2 of the submissions do not count toward it. Last evaluated 2026-06-10.

Conditions:
BRCA2-related cancer predisposition. Identifiers: MedGen CN377758, MONDO:0700269.
Hereditary cancer-predisposing syndrome. Also called: Hereditary Cancer Syndrome; Tumor predisposition; Neoplastic Syndromes, Hereditary; Hereditary neoplastic syndrome. Identifiers: Orphanet 140162, MedGen C0027672, MeSH D009386, MONDO:0015356.
Hereditary breast ovarian cancer syndrome. Also called: Hereditary breast and ovarian cancer syndrome; Breast and ovarian cancer; Hereditary breast and ovarian cancer; BRCA1- and BRCA2-Associated Hereditary Breast and Ovarian Cancer; Hereditary breast and ovarian cancer syndrome (HBOC); Hereditary breast and/or ovarian cancer syndrome. Identifiers: Orphanet 145, MedGen C0677776, MeSH D061325, MONDO:0003582. Disease mechanism: loss of function.
Breast-ovarian cancer, familial, susceptibility to, 2 (BROVCA2). Also called: BRCA2 Hereditary Breast and Ovarian Cancer. Identifiers: Orphanet 145, MedGen C2675520, MONDO:0012933, OMIM 612555. Disease mechanism: loss of function.

Submissions (10):

Myriad Genetics, Inc.
Classification: Likely benign for Breast-ovarian cancer, familial, susceptibility to, 2. Last evaluated: 2026-06-10. Review status: criteria provided, single submitter. Criteria: Myriad Autosomal Dominant, Autosomal Recessive and X-Linked Classification Criteria (2023). Collection method: clinical testing. Allele origin: unknown.
Comment: This variant is considered likely benign. This variant is strongly associated with less severe personal and family histories of cancer, typical for individuals without pathogenic variants in this gene [PMID: 25085752].

Labcorp Genetics (formerly Invitae), Labcorp
Classification: Uncertain significance for Hereditary breast ovarian cancer syndrome. Last evaluated: 2025-12-05. Review status: criteria provided, single submitter. Criteria: Invitae Variant Classification Sherloc (09022015). Collection method: clinical testing. Allele origin: germline.
Comment: This sequence change replaces proline, which is neutral and non-polar, with arginine, which is basic and polar, at codon 2257 of the BRCA2 protein (p.Pro2257Arg). This variant is not present in population databases (gnomAD no frequency). This variant has not been reported in the literature in individuals affected with BRCA2-related conditions. ClinVar contains an entry for this variant (Variation ID: 52182). Invitae Evidence Modeling of protein sequence and biophysical properties (such as structural, functional, and spatial information, amino acid conservation, physicochemical variation, residue mobility, and thermodynamic stability) indicates that this missense variant is not expected to disrupt BRCA2 protein function with a negative predictive value of 95%. In summary, the available evidence is currently insufficient to determine the role of this variant in disease. Therefore, it has been classified as a Variant of Uncertain Significance.

Ambry Genetics
Classification: Uncertain significance for Hereditary cancer-predisposing syndrome. Last evaluated: 2025-12-04. Review status: criteria provided, single submitter. Criteria: Ambry Variant Classification Scheme 2023. Collection method: clinical testing. Allele origin: germline.
Comment: The p.P2257R variant (also known as c.6770C>G), located in coding exon 10 of the BRCA2 gene, results from a C to G substitution at nucleotide position 6770. The proline at codon 2257 is replaced by arginine, an amino acid with dissimilar properties. This amino acid position is poorly conserved in available vertebrate species. In addition, the in silico prediction for this alteration is inconclusive. Based on the available evidence, the clinical significance of this variant remains unclear.

All of Us Research Program, National Institutes of Health
Classification: Uncertain significance for BRCA2-related cancer predisposition. Last evaluated: 2024-03-24. Review status: criteria provided, single submitter. Criteria: ACMG Guidelines, 2015. Collection method: clinical testing. Allele origin: germline. Inheritance: Autosomal dominant inheritance. Observed: 2 variant alleles, 2 heterozygotes.
Comment: This missense variant replaces proline with arginine at codon 2257 of the BRCA2 protein. Computational prediction suggests that this variant may not impact protein structure and function (internally defined REVEL score threshold <= 0.5, PMID: 27666373). To our knowledge, functional studies have not been reported for this variant. This variant has not been reported in individuals affected with BRCA2-related disorders in the literature. This variant has not been identified in the general population by the Genome Aggregation Database (gnomAD). The available evidence is insufficient to determine the role of this variant in disease conclusively. Therefore, this variant is classified as a Variant of Uncertain Significance.

This study involves interpretation of variants in research participants for the purpose of population health screening. Participant phenotype was not available at the time of variant classification. Additional details can be found in publication PMID: 35346344, PMCID: PMC8962531

Color Diagnostics, LLC DBA Color Health
Classification: Uncertain significance for Hereditary cancer-predisposing syndrome. Last evaluated: 2023-06-28. Review status: criteria provided, single submitter. Criteria: ACMG Guidelines, 2015. Collection method: clinical testing. Allele origin: germline.
Comment: This missense variant replaces proline with arginine at codon 2257 of the BRCA2 protein. Computational prediction suggests that this variant may not impact protein structure and function (internally defined REVEL score threshold <= 0.5, PMID: 27666373). To our knowledge, functional studies have not been reported for this variant. This variant has not been reported in individuals affected with BRCA2-related disorders in the literature. This variant has not been identified in the general population by the Genome Aggregation Database (gnomAD). The available evidence is insufficient to determine the role of this variant in disease conclusively. Therefore, this variant is classified as a Variant of Uncertain Significance.

Quest Diagnostics Nichols Institute San Juan Capistrano
Classification: Uncertain significance. Last evaluated: 2023-04-13. Review status: criteria provided, single submitter. Criteria: Quest Diagnostics criteria. Collection method: clinical testing. Allele origin: unknown.
Comment: It has not been reported in large, multi-ethnic general populations. In the published literature, the variant has been reported in an individual with recurrent/metastatic (R/M) head and neck cancers (PMID: 33203166 (2020)). Analysis of this variant using bioinformatics tools for the prediction of the effect of amino acid changes on protein structure and function yielded predictions that this variant is benign. Based on the available information, we are unable to determine the clinical significance of this variant.

University of Washington Department of Laboratory Medicine, University of Washington
Classification: Likely benign for Hereditary cancer-predisposing syndrome. Last evaluated: 2023-03-23. Review status: criteria provided, single submitter. Criteria: Dines et al. (Genet Med. 2020). Collection method: curation. Allele origin: germline.
Comment: Missense variant in a coldspot region where missense variants are very unlikely to be pathogenic (PMID:31911673).

BRCA2 exon 11 coldspot. Reclassification based on statistical prior probability.

Service de Génétique Médicale, Institut Central des Hôpitaux
Classification: Uncertain significance for Hereditary breast ovarian cancer syndrome. Last evaluated: 2019-04-19. Review status: criteria provided, single submitter. Criteria: ACMG Guidelines, 2015. Collection method: clinical testing. Allele origin: germline. Affected: yes. Observed: 1 variant allele.
Comment: The missense variant BRCA2 c.6770C>G is classified as variant of unknown significance (VUS) in the BIC, BRCA Share and BRCA Exchange databases. MutationTaster and PolyPhen-2 predict that this variant is benign. This variant is established as rs80358903 (without frequency information) in dbSNP. gnomAD does not list it, indicating that it is rare.

Counsyl
Classification: Uncertain significance for Breast-ovarian cancer, familial, susceptibility to, 2. Last evaluated: 2017-01-20. Review status: no assertion criteria provided. Collection method: clinical testing. Allele origin: unknown. Not counted in ClinVar's aggregate classification.

Breast Cancer Information Core (BIC) (BRCA2)
Classification: Uncertain significance for Breast-ovarian cancer, familial 2. Last evaluated: 2002-05-29. Review status: no assertion criteria provided. Collection method: clinical testing. Allele origin: germline. Affected: yes. Observed: 1 variant allele. Not counted in ClinVar's aggregate classification.

Literature cited by the submitters: PubMed 25085752 (cited by Myriad Genetics, Inc.); PubMed 31911673 (cited by Quest Diagnostics Nichols Institute San Juan Capistrano); PubMed 33203166 (cited by Quest Diagnostics Nichols Institute San Juan Capistrano).